The following is an entry in ClinVar:

ClinVar aggregate classification (germline): Likely benign. Review status: criteria provided, multiple submitters, no conflicts (2 of 4 stars). 2 submissions from 2 submitters: Likely benign (2). Last evaluated 2025-04-28.

gnomAD v4.1: 46 of 1,613,956 alleles (0.0029%); highest among the groups gnomAD compares: Middle Eastern, 0.066%; no homozygotes.

Submissions (2):

Mayo Clinic Laboratories, Mayo Clinic
Classification: Likely benign. Last evaluated: 2025-04-28. Review status: criteria provided, single submitter. Criteria: ACMG Guidelines, 2015. Collection method: clinical testing. Allele origin: germline. Observed: 1 variant allele.
Comment: BP4, BP7, PM2_supporting

Blueprint Genetics
Classification: Likely benign. Last evaluated: 2024-11-07. Review status: criteria provided, single submitter. Criteria: ACMG Guidelines, 2015. Collection method: clinical testing. Allele origin: germline.

NM_000375.3(UROS):c.420A>G (p.Leu140=)

Gene: UROS (uroporphyrinogen III synthase; minus strand). Cytogenetic location: 10q26.2.
Variant type: single nucleotide variant.
Coding change: c.420A>G on transcript NM_000375.3 (MANE Select); coding-DNA position 420, A replaced by G.
Protein change: p.Leu140=; no amino-acid change (leucine 140 retained).
Molecular consequence: synonymous variant. On other transcripts: non-coding transcript variant (4), intron variant (2).
Genome position (GRCh38, 1-based): chr10:125,798,120, T>C on the plus strand (A>G on the coding strand, the complement: UROS is on the minus strand). VCF-style: chr10-125798120-T-C. GRCh37 (hg19) VCF-style: chr10-127486689-T-C.
Other names: p.Leu140=; c.420A>G, p.Leu140= (NM_001324036.2); c.395-1932A>G (NM_001324038.2, NM_001324037.2).
Identifiers: ClinVar variation 4683563 (VCV004683563.2).
Genomic context (GRCh38, chr10:125,798,120, plus strand): 5'-CTCGCCTTTGTCCTTGAGCGCTTTTGGCAGGATTTCTCTTTTGAGGTTTCCACAGGGAAA[T>C]AGAAGAGGCAGTGCTGAGGACTCCCCTGTGAATAAATAACCAGGCTTTGTGAAAACTCAG-3'
Protein context (NP_000366.1, residues 130-150): CSRESSALPL[Leu140=]FPCGNLKREI